The following is an entry in ClinVar:

ClinVar aggregate classification (germline): Likely benign. Review status: criteria provided, single submitter (1 of 4 stars). 2 submissions from 2 submitters: Likely benign (1). 1 of the submissions does not count toward it. Last evaluated 2024-10-23.

Conditions:
DOCK2-related disorder. Also called: DOCK2-related condition.
DOCK2 deficiency. Also called: Immunodeficiency 40. Identifiers: Orphanet 447737, MedGen C4225328, MONDO:0014637, OMIM 616433.

Allele frequency attached by ClinVar (database versions not stated): gnomAD exomes 0.00001; ExAC 0.00002; ESP Exome Variant Server 0.00008.

Submissions (2):

Labcorp Genetics (formerly Invitae), Labcorp
Classification: Likely benign for DOCK2 deficiency. Last evaluated: 2024-10-23. Review status: criteria provided, single submitter. Criteria: Invitae Variant Classification Sherloc (09022015). Collection method: clinical testing. Allele origin: germline.

PreventionGenetics, part of Exact Sciences
Classification: Likely benign for DOCK2-related condition. Last evaluated: 2023-09-11. Review status: no assertion criteria provided. Collection method: clinical testing. Allele origin: germline. Not counted in ClinVar's aggregate classification.
Comment: This variant is classified as likely benign based on ACMG/AMP sequence variant interpretation guidelines (Richards et al. 2015 PMID: 25741868, with internal and published modifications).

NM_004946.3(DOCK2):c.1437T>C (p.Val479=)

Gene: DOCK2 (dedicator of cytokinesis 2; plus strand). Cytogenetic location: 5q35.1.
Variant type: single nucleotide variant.
Coding change: c.1437T>C on transcript NM_004946.3 (MANE Select); coding-DNA position 1437, T replaced by C.
Protein change: p.Val479=; no amino-acid change (valine 479 retained).
Molecular consequence: synonymous variant. On other transcripts: non-coding transcript variant (1).
Genome position (GRCh38, 1-based): chr5:169,708,222, T>C. VCF-style: chr5-169708222-T-C. GRCh37 (hg19) VCF-style: chr5-169135226-T-C.
Other names: c.1437T>C (NM_004946.2).
Identifiers: ClinVar variation 1662206 (VCV001662206.10), dbSNP rs147336443, ClinGen allele CA3553470.